The following is an entry in ClinVar:

ClinVar aggregate classification (germline): Pathogenic (1 of 4 stars; one submission).

Conditions:
Cystic fibrosis (CF). Also called: MUCOVISCIDOSIS. Identifiers: Orphanet 586, MedGen C0010674, MONDO:0009061, OMIM 219700. Disease mechanism: loss of function.
CFTR-related disorder (CFTR-RD). Also called: CFTR-related disorders; CFTR-related condition. Identifiers: MedGen C5924204, MONDO:7770004.

Submission:

CFTR-France
Classification: Pathogenic for cystic fibrosis; CFTR-related disorders. Last evaluated: 2018-03-09. Review status: criteria provided, single submitter. Criteria: Claustres M et al. (Hum Mutat 2017). Collection method: curation. Allele origin: germline. Affected: yes.
Comment: the variant causes a phenotype but regarding our data, we can't formally attribute it to CF, CFTR-RD or both

NM_000492.4(CFTR):c.54-4235_164+377dup

Gene: CFTR (CF transmembrane conductance regulator; plus strand). Cytogenetic location: 7q31.2.
Variant type: Duplication.
Coding change: c.54-4235_164+377dup on transcript NM_000492.4 (MANE Select); 4235 bases into the intron before coding-DNA position 54 through 377 bases into the intron after coding-DNA position 164, 4,723 bases duplicated.
Molecular consequence: splice acceptor variant, splice donor variant.
Genome position (GRCh38, 1-based): chr7:117,500,018-117,504,740, 4,723 bases duplicated. GRCh37 (hg19): chr7:117,140,072-117,144,794.
Identifiers: ClinVar variation 818160 (VCV000818160.1), ClinGen allele CA915945465.